The following is an entry in ClinVar:

ClinVar aggregate classification (germline): Uncertain significance (1 of 4 stars; one submission).

Submission:

Greenwood Genetic Center Diagnostic Laboratories, Greenwood Genetic Center
Classification: Uncertain significance. Last evaluated: 2024-06-21. Review status: criteria provided, single submitter. Criteria: ACMG Guidelines, 2015. Collection method: clinical testing. Allele origin: germline. Affected: yes.
Comment: PM2, PP3

NM_001378120.1(MBD5):c.1580C>G (p.Ala527Gly)

Gene: MBD5 (methyl-CpG binding domain protein 5; plus strand). Cytogenetic location: 2q23.1.
Variant type: single nucleotide variant.
Coding change: c.1580C>G on transcript NM_001378120.1 (MANE Select); coding-DNA position 1580, C replaced by G.
Protein change: p.Ala527Gly; replaces alanine 527 with glycine.
Molecular consequence: missense variant.
Genome position (GRCh38, 1-based): chr2:148,469,523, C>G. VCF-style: chr2-148469523-C-G. GRCh37 (hg19) VCF-style: chr2-149227092-C-G.
Other names: c.1580C>G, p.Ala527Gly (NM_018328.5); short protein forms A527G.
Identifiers: ClinVar variation 3338571 (VCV003338571.1).